The following is an entry in ClinVar:

ClinVar aggregate classification (germline): Likely benign. Review status: criteria provided, multiple submitters, no conflicts (2 of 4 stars). 3 submissions from 3 submitters: Likely benign (3). Last evaluated 2026-02-01.

Allele frequency attached by ClinVar (database versions not stated): gnomAD exomes 0.00028; TOPMed 0.00029; gnomAD 0.00031; ExAC 0.00032; ESP Exome Variant Server 0.00038.
gnomAD v4.1: 397 of 1,614,096 alleles (0.025%); highest among the groups gnomAD compares: South Asian, 0.064%; no homozygotes.

Submissions (3):

CeGaT Center for Human Genetics Tuebingen
Classification: Likely benign. Last evaluated: 2026-02-01. Review status: criteria provided, single submitter. Criteria: CeGaT Center For Human Genetics Tuebingen Variant Classification Criteria Version 2. Collection method: clinical testing. Allele origin: germline. Affected: yes. Observed: 3 variant alleles.
Comment: GRM1: BP4, BP7

Labcorp Genetics (formerly Invitae), Labcorp
Classification: Likely benign. Last evaluated: 2025-10-09. Review status: criteria provided, single submitter. Criteria: Invitae Variant Classification Sherloc (09022015). Collection method: clinical testing. Allele origin: germline.

Athena Diagnostics
Classification: Likely benign. Last evaluated: 2024-11-14. Review status: criteria provided, single submitter. Criteria: Athena Diagnostics Criteria. Collection method: clinical testing. Allele origin: unknown.

Literature cited by the submitters: PubMed 19924463 (cited by Athena Diagnostics); PubMed 22558107 (cited by Athena Diagnostics).

NM_001278064.2(GRM1):c.2340C>T (p.Asn780=)

Gene: GRM1 (glutamate metabotropic receptor 1; plus strand). Cytogenetic location: 6q24.3.
Variant type: single nucleotide variant.
Coding change: c.2340C>T on transcript NM_001278064.2 (MANE Select); coding-DNA position 2340, C replaced by T.
Protein change: p.Asn780=; no amino-acid change (asparagine 780 retained).
Molecular consequence: synonymous variant.
Genome position (GRCh38, 1-based): chr6:146,399,379, C>T. VCF-style: chr6-146399379-C-T. GRCh37 (hg19) VCF-style: chr6-146720515-C-T.
Other names: c.2340C>T, p.Asn780= (NM_001278065.2, NM_001278066.1, NM_001278067.1).
Identifiers: ClinVar variation 995112 (VCV000995112.28), dbSNP rs41285861, ClinGen allele CA4037442.